The following is an entry in ClinVar:

NM_001277115.2(DNAH11):c.11272T>G (p.Ser3758Ala)

Gene: DNAH11 (dynein axonemal heavy chain 11; plus strand). Cytogenetic location: 7p15.3.
Variant type: single nucleotide variant.
Coding change: c.11272T>G on transcript NM_001277115.2 (MANE Select); coding-DNA position 11272, T replaced by G.
Protein change: p.Ser3758Ala; replaces serine 3758 with alanine.
Molecular consequence: missense variant.
Genome position (GRCh38, 1-based): chr7:21,861,922, T>G. VCF-style: chr7-21861922-T-G. GRCh37 (hg19) VCF-style: chr7-21901540-T-G.
Other names: c.11293T>G, p.Ser3765Ala (NM_003777.3); short protein forms S3765A, S3758A.
Identifiers: ClinVar variation 2844764 (VCV002844764.3), dbSNP rs17145720, ClinGen allele CA366961315.

ClinVar aggregate classification (germline): Uncertain significance (1 of 4 stars; one submission).

Conditions:
Primary ciliary dyskinesia. Also called: Ciliary dyskinesia. Identifiers: Orphanet 244, MedGen C0008780, MONDO:0016575, HP:0012265.

Submission:

Labcorp Genetics (formerly Invitae), Labcorp
Classification: Uncertain significance for Primary ciliary dyskinesia. Last evaluated: 2023-03-10. Review status: criteria provided, single submitter. Criteria: Invitae Variant Classification Sherloc (09022015). Collection method: clinical testing. Allele origin: germline.
Comment: This sequence change replaces serine, which is neutral and polar, with alanine, which is neutral and non-polar, at codon 3758 of the DNAH11 protein (p.Ser3758Ala). In summary, the available evidence is currently insufficient to determine the role of this variant in disease. Therefore, it has been classified as a Variant of Uncertain Significance. Advanced modeling of protein sequence and biophysical properties (such as structural, functional, and spatial information, amino acid conservation, physicochemical variation, residue mobility, and thermodynamic stability) performed at Invitae indicates that this missense variant is not expected to disrupt DNAH11 protein function. This variant has not been reported in the literature in individuals affected with DNAH11-related conditions. This variant is not present in population databases (gnomAD no frequency).